The following is an entry in ClinVar:

ClinVar aggregate classification (germline): Uncertain significance. Review status: criteria provided, multiple submitters, no conflicts (2 of 4 stars). 2 submissions from 2 submitters: Uncertain significance (2). Last evaluated 2025-11-23.

Conditions:
Hereditary cancer-predisposing syndrome. Also called: Hereditary neoplastic syndrome; Neoplastic Syndromes, Hereditary; Tumor predisposition; Hereditary Cancer Syndrome. Identifiers: Orphanet 140162, MedGen C0027672, MeSH D009386, MONDO:0015356.
DICER1-related tumor predisposition. Also called: DICER1 syndrome; DICER1-related pleuropulmonary blastoma cancer predisposition syndrome. Identifiers: Orphanet 284343, MedGen C3839822, MONDO:0100216.

Allele frequency attached by ClinVar (database versions not stated): TOPMed below 0.00001; gnomAD 0.00001.

Submissions (2):

Ambry Genetics
Classification: Uncertain significance for Hereditary cancer-predisposing syndrome. Last evaluated: 2025-11-23. Review status: criteria provided, single submitter. Criteria: Ambry Variant Classification Scheme 2023. Collection method: clinical testing. Allele origin: germline.
Comment: The p.V1371M variant (also known as c.4111G>A), located in coding exon 21 of the DICER1 gene, results from a G to A substitution at nucleotide position 4111. The valine at codon 1371 is replaced by methionine, an amino acid with highly similar properties. This amino acid position is conserved. In addition, the in silico prediction for this alteration is inconclusive. Based on the available evidence, the clinical significance of this variant remains unclear.

Labcorp Genetics (formerly Invitae), Labcorp
Classification: Uncertain significance for DICER1-related tumor predisposition. Last evaluated: 2020-06-23. Review status: criteria provided, single submitter. Criteria: Invitae Variant Classification Sherloc (09022015). Collection method: clinical testing. Allele origin: germline.
Comment: In summary, the available evidence is currently insufficient to determine the role of this variant in disease. Therefore, it has been classified as a Variant of Uncertain Significance. Algorithms developed to predict the effect of missense changes on protein structure and function are either unavailable or do not agree on the potential impact of this missense change (SIFT: "Deleterious"; PolyPhen-2: "Probably Damaging"; Align-GVGD: "Class C0"). This variant has not been reported in the literature in individuals with DICER1-related conditions. This variant is not present in population databases (ExAC no frequency). This sequence change replaces valine with methionine at codon 1371 of the DICER1 protein (p.Val1371Met). The valine residue is highly conserved and there is a small physicochemical difference between valine and methionine.

NM_177438.3(DICER1):c.4111G>A (p.Val1371Met)

Gene: DICER1 (dicer 1, ribonuclease III; minus strand). Cytogenetic location: 14q32.13.
Variant type: single nucleotide variant.
Coding change: c.4111G>A on transcript NM_177438.3 (MANE Select); coding-DNA position 4111, G replaced by A.
Protein change: p.Val1371Met; replaces valine 1371 with methionine.
Molecular consequence: missense variant.
Genome position (GRCh38, 1-based): chr14:95,099,875, C>T on the plus strand (G>A on the coding strand, the complement: DICER1 is on the minus strand). VCF-style: chr14-95099875-C-T. GRCh37 (hg19) VCF-style: chr14-95566212-C-T.
Other names: c.4111G>A (NM_177438.2); c.4111G>A, p.Val1371Met (NM_001195573.1, NM_001271282.3, NM_001291628.2 and 1 more transcripts); short protein forms V1371M.
Identifiers: ClinVar variation 1043725 (VCV001043725.11), dbSNP rs1276560984, ClinGen allele CA390872092.
Genomic context (GRCh38, chr14:95,099,875, plus strand): 5'-TGTCTTGATTTACTACATAACCAGGAGGAAGCCAATTCACAGGGGGATCAAATATTGACA[C>T]CACCATGCGGCTGGGTAGTCCCTTCTTTTTTCCAAGGCGATACAGATTACAGTTGCTGAC-3'
Protein context (NP_803187.1, residues 1361-1381): KKKGLPSRMV[Val1371Met]SIFDPPVNWL